The following is an entry in ClinVar:

NM_000368.5(TSC1):c.3090T>A (p.Ser1030Arg)

Gene: TSC1 (TSC complex subunit 1; minus strand). Cytogenetic location: 9q34.13.
Variant type: single nucleotide variant.
Coding change: c.3090T>A on transcript NM_000368.5 (MANE Select); coding-DNA position 3090, T replaced by A.
Protein change: p.Ser1030Arg; replaces serine 1030 with arginine.
Molecular consequence: missense variant.
Genome position (GRCh38, 1-based): chr9:132,896,640, A>T on the plus strand (T>A on the coding strand, the complement: TSC1 is on the minus strand). VCF-style: chr9-132896640-A-T. GRCh37 (hg19) VCF-style: chr9-135772027-A-T.
Other names: c.3075T>A, p.Ser1025Arg (NM_001406601.1, NM_001406602.1); c.3072T>A, p.Ser1024Arg (NM_001406603.1, NM_001406604.1); c.3048T>A, p.Ser1016Arg (NM_001406605.1, NM_001406606.1, NM_001406607.1); c.3045T>A, p.Ser1015Arg (NM_001406608.1, NM_001406609.1); c.2937T>A, p.Ser979Arg (NM_001406610.1, NM_001162427.2); c.2724T>A, p.Ser908Arg (NM_001406620.1, NM_001406621.1, NM_001406622.1 and 1 more transcripts); c.2685T>A, p.Ser895Arg (NM_001406624.1); c.2682T>A, p.Ser894Arg (NM_001406625.1); and 8 more; short protein forms S1015R, S1016R, S1024R, S1025R, S1029R, S1030R, S679R, S712R.
Identifiers: ClinVar variation 1720998 (VCV001720998.5), dbSNP rs2131610319, ClinGen allele CA375367500.

ClinVar aggregate classification (germline): Uncertain significance (1 of 4 stars; one submission).

Conditions:
Tuberous sclerosis 1 (TSC1). Identifiers: Orphanet 805, MedGen C1854465, MONDO:0008612, OMIM 191100.

Submission:

Labcorp Genetics (formerly Invitae), Labcorp
Classification: Uncertain significance for Tuberous sclerosis 1. Last evaluated: 2024-10-21. Review status: criteria provided, single submitter. Criteria: Invitae Variant Classification Sherloc (09022015). Collection method: clinical testing. Allele origin: germline.
Comment: This sequence change replaces serine, which is neutral and polar, with arginine, which is basic and polar, at codon 1030 of the TSC1 protein (p.Ser1030Arg). This variant is not present in population databases (gnomAD no frequency). This variant has not been reported in the literature in individuals affected with TSC1-related conditions. ClinVar contains an entry for this variant (Variation ID: 1720998). Invitae Evidence Modeling of protein sequence and biophysical properties (such as structural, functional, and spatial information, amino acid conservation, physicochemical variation, residue mobility, and thermodynamic stability) indicates that this missense variant is not expected to disrupt TSC1 protein function with a negative predictive value of 95%. In summary, the available evidence is currently insufficient to determine the role of this variant in disease. Therefore, it has been classified as a Variant of Uncertain Significance.